The following is an entry in ClinVar:

NM_000414.4(HSD17B4):c.303-12T>A

Gene: HSD17B4 (hydroxysteroid 17-beta dehydrogenase 4; plus strand). Cytogenetic location: 5q23.1.
Variant type: single nucleotide variant.
Coding change: c.303-12T>A on transcript NM_000414.4 (MANE Select); 12 bases into the intron before coding-DNA position 303, T replaced by A.
Molecular consequence: intron variant.
Genome position (GRCh38, 1-based): chr5:119,475,812, T>A. VCF-style: chr5-119475812-T-A. GRCh37 (hg19) VCF-style: chr5-118811507-T-A.
Other names: c.-109-12T>A (NM_001374503.1, NM_001374502.1, NM_001374501.1 and 1 more transcripts); c.378-12T>A (NM_001199291.3); c.22+85T>A (NM_001374499.1); c.-236-12T>A (NM_001374500.1); c.231-12T>A (NM_001292027.2); c.303-12T>A (NM_001374498.1, NM_001374497.1); c.249-12T>A (NM_001199292.2).
Identifiers: ClinVar variation 3899802 (VCV003899802.1).
Genomic context (GRCh38, chr5:119,475,812, plus strand): 5'-GTGATGTGTGTATAATTTTTTTAAAAAGTATATACTTTCCTCCTTTTACCCTATACAACA[T>A]TGATTTTTTAGAATTCTGAGGGATCGTTCCTTTGCTAGGATAAGTGATGAAGACTGGGGT-3'

ClinVar aggregate classification (germline): Uncertain significance (1 of 4 stars; one submission).

gnomAD v4.1: 1 of 1,599,214 alleles (0.000063%); highest among the groups gnomAD compares: Non-Finnish European, 0.000086%; no homozygotes.

Submission:

GeneDx
Classification: Uncertain significance. Last evaluated: 2024-11-19. Review status: criteria provided, single submitter. Criteria: GeneDx Variant Classification Process June 2021. Collection method: clinical testing. Allele origin: germline. Affected: yes.
Comment: Not observed at significant frequency in large population cohorts (gnomAD); In silico analysis is inconclusive as to whether the variant alters gene splicing. In the absence of RNA/functional studies, the actual effect of this sequence change is unknown.; Has not been previously published as pathogenic or benign to our knowledge